The following is an entry in ClinVar:

ClinVar aggregate classification (germline): Uncertain significance (1 of 4 stars; one submission).

Conditions:
LRP2-related disorder. Also called: LRP2-related condition.

Submission:

PreventionGenetics, part of Exact Sciences
Classification: Uncertain significance for LRP2-related condition. Last evaluated: 2024-11-25. Review status: criteria provided, single submitter. Criteria: ACMG Guidelines, 2015. Collection method: clinical testing. Allele origin: germline.
Comment: The LRP2 c.2402C>G variant is predicted to result in the amino acid substitution p.Thr801Arg. To our knowledge, this variant has not been reported in the literature or in a large population database (gnomAD), indicating this variant is rare. At this time, the clinical significance of this variant is uncertain due to the absence of conclusive functional and genetic evidence.

NM_004525.3(LRP2):c.2402C>G (p.Thr801Arg)

Gene: LRP2 (LDL receptor related protein 2; minus strand). Cytogenetic location: 2q31.1.
Variant type: single nucleotide variant.
Coding change: c.2402C>G on transcript NM_004525.3 (MANE Select); coding-DNA position 2402, C replaced by G.
Protein change: p.Thr801Arg; replaces threonine 801 with arginine.
Molecular consequence: missense variant.
Genome position (GRCh38, 1-based): chr2:169,259,136, G>C on the plus strand (C>G on the coding strand, the complement: LRP2 is on the minus strand). VCF-style: chr2-169259136-G-C. GRCh37 (hg19) VCF-style: chr2-170115646-G-C.
Other names: short protein forms T801R.
Identifiers: ClinVar variation 4996880 (VCV004996880.1).
Genomic context (GRCh38, chr2:169,259,136, plus strand): 5'-ACTGTGCGTCTCGTTTTATCAGCTAGCCTCATGACACTGATACTCTTGTAATGAGAGTCT[G>C]TCCAATAGAGATTCTTTGAAATCCAATCAAAAGCCAAACTTTCAACATTTTCCACCCTGT-3'
Protein context (NP_004516.2, residues 791-811): FDWISKNLYW[Thr801Arg]DSHYKSISVM